The following is an entry in ClinVar:

NM_000384.3(APOB):c.4110C>T (p.Ser1370=)

Gene: APOB (apolipoprotein B; minus strand). Cytogenetic location: 2p24.1.
Variant type: single nucleotide variant.
Coding change: c.4110C>T on transcript NM_000384.3 (MANE Select); coding-DNA position 4110, C replaced by T.
Protein change: p.Ser1370=; no amino-acid change (serine 1370 retained).
Molecular consequence: synonymous variant.
Genome position (GRCh38, 1-based): chr2:21,013,266, G>A on the plus strand (C>T on the coding strand, the complement: APOB is on the minus strand). VCF-style: chr2-21013266-G-A. GRCh37 (hg19) VCF-style: chr2-21236138-G-A.
Identifiers: ClinVar variation 925566 (VCV000925566.13), dbSNP rs768988904, ClinGen allele CA060488.

ClinVar aggregate classification (germline): Likely benign. Review status: criteria provided, multiple submitters, no conflicts (2 of 4 stars). 3 submissions from 3 submitters: Likely benign (3). Last evaluated 2026-07-08.

Conditions:
Cardiovascular phenotype. Identifiers: MedGen CN230736.
Hypercholesterolemia, autosomal dominant, type B (FHCL2). Also called: APOLIPOPROTEIN B-100, FAMILIAL DEFECTIVE; APOLIPOPROTEIN B-100, FAMILIAL LIGAND-DEFECTIVE; HYPERCHOLESTEROLEMIA, FAMILIAL, DUE TO LIGAND-DEFECTIVE APOLIPOPROTEIN B; Familial Hypercholesterolemia Type B; Hyperlipoproteinemia Type IIb; Familial hypercholesterolemia 2. Identifiers: MedGen C1704417, MONDO:0007751, OMIM 144010.
Familial hypobetalipoproteinemia 1. Also called: APOB-Related Familial Hypobetalipoproteinemia; Hypobetalipoproteinemia, normotriglyceridemic; Acanthocytosis with hypobetalipoproteinemia. Identifiers: MedGen C4551990, MONDO:0014252, OMIM 615558.
Familial hypercholesterolemia. Also called: Familial hypercholesterolemias; Familial hypercholesterolaemia. Identifiers: MedGen C0020445, MONDO:0005439.

Allele frequency attached by ClinVar (database versions not stated): ExAC 0.00001; gnomAD exomes 0.00001; gnomAD 0.00002; TOPMed 0.00002.
gnomAD v4.1: 25 of 1,614,056 alleles (0.0015%); highest among the groups gnomAD compares: Middle Eastern, 0.016%; no homozygotes.

Submissions (3):

GENinCode PLC
Classification: Likely benign for Familial hypercholesterolemia. Last evaluated: 2026-07-08. Review status: criteria provided, single submitter. Criteria: ACMG Guidelines, 2015. Collection method: clinical testing. Allele origin: germline.
Comment: This is a synonymous (silent) variant that is not predicted to impact splicing and occurs at a nucleotide which is not highly conserved. This variant has been classified as Likely Benign (BP4, BP7).

Labcorp Genetics (formerly Invitae), Labcorp
Classification: Likely benign for Familial hypobetalipoproteinemia 1; Hypercholesterolemia, autosomal dominant, type B. Last evaluated: 2025-12-08. Review status: criteria provided, single submitter. Criteria: Invitae Variant Classification Sherloc (09022015). Collection method: clinical testing. Allele origin: germline.

Ambry Genetics
Classification: Likely benign for Cardiovascular phenotype. Last evaluated: 2020-07-19. Review status: criteria provided, single submitter. Criteria: Ambry Variant Classification Scheme 2023. Collection method: clinical testing. Allele origin: germline.